The following is an entry in ClinVar:

NM_031471.6(FERMT3):c.1917G>A (p.Thr639=)

Gene: FERMT3 (FERM domain containing kindlin 3; plus strand). Cytogenetic location: 11q13.1.
Variant type: single nucleotide variant.
Coding change: c.1917G>A on transcript NM_031471.6 (MANE Select); coding-DNA position 1917, G replaced by A.
Protein change: p.Thr639=; no amino-acid change (threonine 639 retained).
Molecular consequence: synonymous variant.
Genome position (GRCh38, 1-based): chr11:64,223,417, G>A. VCF-style: chr11-64223417-G-A. GRCh37 (hg19) VCF-style: chr11-63990889-G-A.
Other names: p.Thr639=; c.1917G>A, p.Thr639= (NM_001382361.1, NM_001382448.1); c.1929G>A, p.Thr643= (NM_001382362.1, NM_178443.3); c.1377G>A, p.Thr459= (NM_001382363.1); c.1389G>A, p.Thr463= (NM_001382364.1).
Identifiers: ClinVar variation 194565 (VCV000194565.19), dbSNP rs150686744, ClinGen allele CA201236.
Genomic context (GRCh38, chr11:64,223,417, plus strand): 5'-CGTGTCTGCCAGCTGCCGAATTGTACACGAGTATATCGGGGGCTACATTTTCCTGTCGAC[G>A]CGGGAGCGGGCCCGTGGGGAGGAGCTGGATGAAGACCTCTTCCTGCAGCTCACCGGGGGC-3'
Protein context (NP_113659.3, residues 629-649): EYIGGYIFLS[Thr639=]RERARGEELD

ClinVar aggregate classification (germline): Benign/Likely benign. Review status: criteria provided, multiple submitters, no conflicts (2 of 4 stars). 6 submissions from 6 submitters: Benign (5); Likely benign (1). Last evaluated 2026-03-30.

Conditions:
Leukocyte adhesion deficiency 3. Also called: Leukocyte adhesion deficiency, type III; INTEGRIN ACTIVATION DEFICIENCY DISEASE; LEUKOCYTE ADHESION DEFICIENCY 1 VARIANT. Identifiers: Orphanet 2968, Orphanet 99844, MedGen C2748536, MONDO:0013016, OMIM 612840.

Allele frequency attached by ClinVar (database versions not stated): 1000 Genomes Project 30x 0.00109; 1000 Genomes Project 0.00120; TOPMed 0.00283; ESP Exome Variant Server 0.00315; ExAC 0.00379; gnomAD 0.00396 and 0.00399.
gnomAD v4.1: 6,914 of 1,613,544 alleles (0.43%); highest among the groups gnomAD compares: Non-Finnish European, 0.44%; 30 homozygotes.

Submissions (6):

Women's Health and Genetics/Laboratory Corporation of America, LabCorp
Classification: Benign. Last evaluated: 2026-03-30. Review status: criteria provided, single submitter. Criteria: LabCorp Variant Classification Summary - May 2015. Collection method: clinical testing. Allele origin: germline.

Labcorp Genetics (formerly Invitae), Labcorp
Classification: Benign for Leukocyte adhesion deficiency 3. Last evaluated: 2026-02-01. Review status: criteria provided, single submitter. Criteria: Invitae Variant Classification Sherloc (09022015). Collection method: clinical testing. Allele origin: germline.

Blueprint Genetics
Classification: Likely benign. Last evaluated: 2024-11-13. Review status: criteria provided, single submitter. Criteria: ACMG Guidelines, 2015. Collection method: clinical testing. Allele origin: germline.

Mayo Clinic Laboratories, Mayo Clinic
Classification: Benign. Last evaluated: 2024-01-04. Review status: criteria provided, single submitter. Criteria: ACMG Guidelines, 2015. Collection method: clinical testing. Allele origin: germline. Observed: 6 variant alleles.
Comment: BS1, BS2, BP4, BP7

Eurofins Ntd Llc (ga)
Classification: Benign. Last evaluated: 2015-04-09. Review status: criteria provided, single submitter. Criteria: EGL Classification Definitions 2015. Collection method: clinical testing. Allele origin: germline. Observed: 2 variant alleles, 2 heterozygotes.

Breakthrough Genomics
Classification: Benign. Review status: criteria provided, single submitter. Criteria: ACMG Guidelines, 2015. Collection method: not provided. Allele origin: germline. Inheritance: Autosomal recessive inheritance. Affected: yes.